The following is an entry in ClinVar:

NM_000921.5(PDE3A):c.2769+6T>G

Gene: PDE3A (phosphodiesterase 3A; plus strand). Cytogenetic location: 12p12.2.
Variant type: single nucleotide variant.
Coding change: c.2769+6T>G on transcript NM_000921.5 (MANE Select); 6 bases into the intron after coding-DNA position 2769, T replaced by G.
Molecular consequence: intron variant.
Genome position (GRCh38, 1-based): chr12:20,648,897, T>G. VCF-style: chr12-20648897-T-G. GRCh37 (hg19) VCF-style: chr12-20801831-T-G.
Other names: c.1806+6T>G (NM_001378408.1); c.2463+6T>G (NM_001378407.1); c.1803+6T>G (NM_001244683.2, NM_001378409.1).
Identifiers: ClinVar variation 3348932 (VCV003348932.1).

ClinVar aggregate classification (germline): Likely benign (0 of 4 stars; one submission).

Conditions:
PDE3A-related disorder. Also called: PDE3A-related condition.

Submission:

PreventionGenetics, part of Exact Sciences
Classification: Likely benign for PDE3A-related condition. Last evaluated: 2024-03-24. Review status: no assertion criteria provided. Collection method: clinical testing. Allele origin: germline.
Comment: This variant is classified as likely benign based on ACMG/AMP sequence variant interpretation guidelines (Richards et al. 2015 PMID: 25741868, with internal and published modifications).